The following is an entry in ClinVar:

ClinVar aggregate classification (germline): Uncertain significance (1 of 4 stars; one submission).

Submission:

GeneDx
Classification: Uncertain significance. Last evaluated: 2026-03-26. Review status: criteria provided, single submitter. Criteria: GeneDx Variant Classification Process June 2021. Collection method: clinical testing. Allele origin: germline.
Comment: Not observed at significant frequency in large population cohorts (gnomAD); In silico analysis supports that this missense variant has a deleterious effect on protein structure/function; Has not been previously published as pathogenic or benign to our knowledge

NM_005548.3(KARS1):c.1174C>T (p.Arg392Trp)

Gene: KARS1 (lysyl-tRNA synthetase 1; minus strand). Cytogenetic location: 16q23.1.
Variant type: single nucleotide variant.
Coding change: c.1174C>T on transcript NM_005548.3 (MANE Select); coding-DNA position 1174, C replaced by T.
Protein change: p.Arg392Trp; replaces arginine 392 with tryptophan.
Molecular consequence: missense variant.
Genome position (GRCh38, 1-based): chr16:75,631,494, G>A on the plus strand (C>T on the coding strand, the complement: KARS1 is on the minus strand). VCF-style: chr16-75631494-G-A. GRCh37 (hg19) VCF-style: chr16-75665392-G-A.
Other names: c.1258C>T, p.Arg420Trp (NM_001130089.2); c.706C>T, p.Arg236Trp (NM_001378148.1); short protein forms R236W, R392W, R420W.
Identifiers: ClinVar variation 5017322 (VCV005017322.1).